The following is an entry in ClinVar:

ClinVar aggregate classification (germline): Uncertain significance (1 of 4 stars; one submission).

Allele frequency attached by ClinVar (database versions not stated): TOPMed below 0.00001; gnomAD 0.00001.
gnomAD v4.1: 1 of 1,612,488 alleles (0.000062%); highest among the groups gnomAD compares: African/African-American, 0.0013%; no homozygotes.

Submission:

Labcorp Genetics (formerly Invitae), Labcorp
Classification: Uncertain significance. Last evaluated: 2022-06-10. Review status: criteria provided, single submitter. Criteria: Invitae Variant Classification Sherloc (09022015). Collection method: clinical testing. Allele origin: germline.
Comment: This sequence change replaces glutamine, which is neutral and polar, with lysine, which is basic and polar, at codon 441 of the MTTP protein (p.Gln441Lys). This variant is present in population databases (no rsID available, gnomAD 0.02%). This variant has not been reported in the literature in individuals affected with MTTP-related conditions. Algorithms developed to predict the effect of missense changes on protein structure and function (SIFT, PolyPhen-2, Align-GVGD) all suggest that this variant is likely to be tolerated. In summary, the available evidence is currently insufficient to determine the role of this variant in disease. Therefore, it has been classified as a Variant of Uncertain Significance.

NM_001386140.1(MTTP):c.1321C>A (p.Gln441Lys)

Gene: MTTP (microsomal triglyceride transfer protein; plus strand). Cytogenetic location: 4q23.
Variant type: single nucleotide variant.
Coding change: c.1321C>A on transcript NM_001386140.1 (MANE Select); coding-DNA position 1321, C replaced by A.
Protein change: p.Gln441Lys; replaces glutamine 441 with lysine.
Molecular consequence: missense variant.
Genome position (GRCh38, 1-based): chr4:99,601,691, C>A. VCF-style: chr4-99601691-C-A. GRCh37 (hg19) VCF-style: chr4-100522848-C-A.
Other names: c.1321C>A, p.Gln441Lys (NM_000253.4); c.1072C>A, p.Gln358Lys (NM_001300785.2); short protein forms Q441K, Q358K.
Identifiers: ClinVar variation 2078264 (VCV002078264.1), dbSNP rs1486643983, ClinGen allele CA357509540.